The following is an entry in ClinVar:

ClinVar aggregate classification (germline): Uncertain significance (1 of 4 stars; one submission).

Conditions:
Charcot-Marie-Tooth disease type 2. Also called: Charcot-Marie-Tooth type 2. Identifiers: Orphanet 64746, MedGen C0270914, MONDO:0018993.

Allele frequency attached by ClinVar (database versions not stated): gnomAD exomes below 0.00001; ExAC 0.00001.
gnomAD v4.1: 1 of 1,614,122 alleles (0.000062%); highest among the groups gnomAD compares: Non-Finnish European, 0.000085%; no homozygotes.

Submission:

Labcorp Genetics (formerly Invitae), Labcorp
Classification: Uncertain significance for Charcot-Marie-Tooth disease type 2. Last evaluated: 2021-05-30. Review status: criteria provided, single submitter. Criteria: Invitae Variant Classification Sherloc (09022015). Collection method: clinical testing. Allele origin: germline.
Comment: This variant has not been reported in the literature in individuals with MED25-related conditions. Algorithms developed to predict the effect of missense changes on protein structure and function (SIFT, PolyPhen-2, Align-GVGD) all suggest that this variant is likely to be tolerated, but these predictions have not been confirmed by published functional studies and their clinical significance is uncertain. In summary, the available evidence is currently insufficient to determine the role of this variant in disease. Therefore, it has been classified as a Variant of Uncertain Significance. This variant is present in population databases (rs775141134, ExAC 0.002%). This sequence change replaces alanine with valine at codon 415 of the MED25 protein (p.Ala415Val). The alanine residue is highly conserved and there is a small physicochemical difference between alanine and valine.

NM_030973.4(MED25):c.1244C>T (p.Ala415Val)

Gene: MED25 (mediator complex subunit 25; plus strand). Cytogenetic location: 19q13.33.
Variant type: single nucleotide variant.
Coding change: c.1244C>T on transcript NM_030973.4 (MANE Select); coding-DNA position 1244, C replaced by T.
Protein change: p.Ala415Val; replaces alanine 415 with valine.
Molecular consequence: missense variant.
Genome position (GRCh38, 1-based): chr19:49,831,949, C>T. VCF-style: chr19-49831949-C-T. GRCh37 (hg19) VCF-style: chr19-50335206-C-T.
Other names: c.1244C>T, p.Ala415Val (NM_001378355.1); short protein forms A415V.
Identifiers: ClinVar variation 1357488 (VCV001357488.8), dbSNP rs775141134, ClinGen allele CA9585205.